The following is an entry in ClinVar:

ClinVar aggregate classification (germline): Benign/Likely benign. Review status: criteria provided, multiple submitters, no conflicts (2 of 4 stars). 4 submissions from 4 submitters: Benign (1); Likely benign (2). 1 of the submissions does not count toward it. Last evaluated 2026-01-28.

Allele frequency attached by ClinVar (database versions not stated): gnomAD exomes 0.00033 and 0.00114; ExAC 0.00147; gnomAD 0.00345 and 0.00369; 1000 Genomes Project 30x 0.00375; TOPMed 0.00409; ESP Exome Variant Server 0.00426; 1000 Genomes Project 0.00450.

Submissions (4):

Labcorp Genetics (formerly Invitae), Labcorp
Classification: Benign. Last evaluated: 2026-01-28. Review status: criteria provided, single submitter. Criteria: Invitae Variant Classification Sherloc (09022015). Collection method: clinical testing. Allele origin: germline.

Blueprint Genetics
Classification: Likely benign. Last evaluated: 2024-11-01. Review status: criteria provided, single submitter. Criteria: ACMG Guidelines, 2015. Collection method: clinical testing. Allele origin: germline.

Center for Pediatric Genomic Medicine, Children's Mercy Hospital and Clinics
Classification: Likely benign. Last evaluated: 2017-05-04. Review status: criteria provided, single submitter. Criteria: ACMG Guidelines, 2015. Collection method: clinical testing. Allele origin: germline.

ITMI
No classification provided. Condition: AllHighlyPenetrant. Last evaluated: 2013-09-19. Review status: no classification provided. Collection method: reference population. Allele origin: germline. Not counted in ClinVar's aggregate classification.
Comment: Please see associated publication for description of ethnicities

Literature cited by the submitters: PubMed 24728327 (cited by ITMI).

NM_152424.4(AMER1):c.832G>T (p.Ala278Ser)

Gene: AMER1 (APC membrane recruitment protein 1; minus strand). Cytogenetic location: Xq11.2.
Variant type: single nucleotide variant.
Coding change: c.832G>T on transcript NM_152424.4 (MANE Select); coding-DNA position 832, G replaced by T.
Protein change: p.Ala278Ser; replaces alanine 278 with serine.
Molecular consequence: missense variant.
Genome position (GRCh38, 1-based): chrX:64,192,455, C>A on the plus strand (G>T on the coding strand, the complement: AMER1 is on the minus strand). VCF-style: chrX-64192455-C-A. GRCh37 (hg19) VCF-style: chrX-63412335-C-A.
Other names: short protein forms A278S.
Identifiers: ClinVar variation 133500 (VCV000133500.13), dbSNP rs35718712, ClinGen allele CA156702.